The following is an entry in ClinVar:

ClinVar aggregate classification (germline): Uncertain significance (1 of 4 stars; one submission).

Submission:

GeneDx
Classification: Uncertain significance. Last evaluated: 2025-07-29. Review status: criteria provided, single submitter. Criteria: GeneDx Variant Classification Process June 2021. Collection method: clinical testing. Allele origin: germline. Affected: yes.
Comment: Not observed at significant frequency in large population cohorts (gnomAD); In silico analysis suggests that this missense variant does not alter protein structure/function; Has not been previously published as pathogenic or benign to our knowledge

NM_025216.3(WNT10A):c.409G>C (p.Ala137Pro)

Gene: WNT10A (Wnt family member 10A; plus strand). Cytogenetic location: 2q35.
Variant type: single nucleotide variant.
Coding change: c.409G>C on transcript NM_025216.3 (MANE Select); coding-DNA position 409, G replaced by C.
Protein change: p.Ala137Pro; replaces alanine 137 with proline.
Molecular consequence: missense variant.
Genome position (GRCh38, 1-based): chr2:218,890,016, G>C. VCF-style: chr2-218890016-G-C. GRCh37 (hg19) VCF-style: chr2-219754738-G-C.
Other names: short protein forms A137P.
Identifiers: ClinVar variation 4689886 (VCV004689886.1).